The following is an entry in ClinVar:

NM_004655.4(AXIN2):c.1889G>A (p.Ser630Asn)

Gene: AXIN2 (axin 2; minus strand). Cytogenetic location: 17q24.1.
Variant type: single nucleotide variant.
Coding change: c.1889G>A on transcript NM_004655.4 (MANE Select); coding-DNA position 1889, G replaced by A.
Protein change: p.Ser630Asn; replaces serine 630 with asparagine.
Molecular consequence: missense variant. On other transcripts: intron variant (1).
Genome position (GRCh38, 1-based): chr17:65,536,887, C>T on the plus strand (G>A on the coding strand, the complement: AXIN2 is on the minus strand). VCF-style: chr17-65536887-C-T. GRCh37 (hg19) VCF-style: chr17-63533005-C-T.
Other names: c.1889G>A (LRG_296t1); c.1713-334G>A (NM_001363813.1); short protein forms S630N.
Identifiers: ClinVar variation 533195 (VCV000533195.18), dbSNP rs578156841, ClinGen allele CA8718503.

ClinVar aggregate classification (germline): Conflicting classifications of pathogenicity. Review status: criteria provided, conflicting classifications (1 of 4 stars). 6 submissions from 6 submitters: Uncertain significance (5); Likely benign (1). Last evaluated 2026-01-07.

Conditions:
Hereditary cancer-predisposing syndrome. Also called: Neoplastic Syndromes, Hereditary; Hereditary Cancer Syndrome; Tumor predisposition; Hereditary neoplastic syndrome. Identifiers: Orphanet 140162, MedGen C0027672, MeSH D009386, MONDO:0015356.
AXIN2-related disorder.
Oligodontia-cancer predisposition syndrome. Also called: TOOTH AGENESIS-COLORECTAL CANCER SYNDROME. Identifiers: Orphanet 300576, MedGen C1837750, MONDO:0012075, OMIM 608615. Disease mechanism: loss of function.
Colorectal cancer. Also called: Malignant Colorectal Neoplasm; Colorectal cancer, somatic. Identifiers: MedGen C0346629, MONDO:0005575, OMIM 114500.

Allele frequency attached by ClinVar (database versions not stated): gnomAD exomes 0.00001 and below 0.00001; TOPMed 0.00001; 1000 Genomes Project 0.00020; 1000 Genomes Project 30x 0.00016; gnomAD 0.00001; ExAC 0.00002.
gnomAD v4.1: 5 of 1,613,414 alleles (0.00031%); highest among the groups gnomAD compares: Admixed American, 0.0033%; no homozygotes.

Submissions (6):

Dasa
Classification: Uncertain significance for colorectal cancer. Last evaluated: 2026-01-07. Review status: criteria provided, single submitter. Criteria: DASA Assertion Criteria. Collection method: clinical testing. Allele origin: germline.
Comment: NM_004655.4(AXIN2):c.1889G>A (p.Ser630Asn) is a missense variant that results in the substitution of serine with asparagine. This variant is rare in population databases. Computational prediction algorithms are consistent with a benign effect. The currently available literature and clinical evidence are not sufficient to establish a definitive association between this variant and the reported condition. Therefore, this variant is classified as a variant of uncertain significance.

Labcorp Genetics (formerly Invitae), Labcorp
Classification: Uncertain significance for Oligodontia-cancer predisposition syndrome. Last evaluated: 2025-11-10. Review status: criteria provided, single submitter. Criteria: Invitae Variant Classification Sherloc (09022015). Collection method: clinical testing. Allele origin: germline.
Comment: This sequence change replaces serine, which is neutral and polar, with asparagine, which is neutral and polar, at codon 630 of the AXIN2 protein (p.Ser630Asn). This variant is present in population databases (rs578156841, gnomAD 0.006%). This variant has not been reported in the literature in individuals affected with AXIN2-related conditions. ClinVar contains an entry for this variant (Variation ID: 533195). Invitae Evidence Modeling of protein sequence and biophysical properties (such as structural, functional, and spatial information, amino acid conservation, physicochemical variation, residue mobility, and thermodynamic stability) indicates that this missense variant is not expected to disrupt AXIN2 protein function with a negative predictive value of 80%. In summary, the available evidence is currently insufficient to determine the role of this variant in disease. Therefore, it has been classified as a Variant of Uncertain Significance.

Ambry Genetics
Classification: Likely benign for Hereditary cancer-predisposing syndrome. Last evaluated: 2024-01-12. Review status: criteria provided, single submitter. Criteria: Ambry Variant Classification Scheme 2023. Collection method: clinical testing. Allele origin: germline.

PreventionGenetics, part of Exact Sciences
Classification: Uncertain significance for AXIN2-related condition. Last evaluated: 2023-04-18. Review status: criteria provided, single submitter. Criteria: ACMG Guidelines, 2015. Collection method: clinical testing. Allele origin: germline.
Comment: The AXIN2 c.1889G>A variant is predicted to result in the amino acid substitution p.Ser630Asn. To our knowledge, this variant has not been reported in the literature. This variant is reported in 0.0058% of alleles in individuals of Latino descent in gnomAD and has been interpreted as uncertain in ClinVar. At this time, the clinical significance of this variant is uncertain due to the absence of conclusive functional and genetic evidence.

GeneDx
Classification: Uncertain significance. Last evaluated: 2022-10-04. Review status: criteria provided, single submitter. Criteria: GeneDx Variant Classification Process June 2021. Collection method: clinical testing. Allele origin: germline. Affected: yes.
Comment: Not observed at significant frequency in large population cohorts (gnomAD); In silico analysis supports that this missense variant does not alter protein structure/function; Has not been previously published as pathogenic or benign to our knowledge

Revvity Omics, Revvity
Classification: Uncertain significance for Oligodontia-cancer predisposition syndrome. Last evaluated: 2019-06-26. Review status: criteria provided, single submitter. Criteria: ACMG Guidelines, 2015. Collection method: clinical testing. Allele origin: germline.